The following is an entry in ClinVar:

NM_006231.4(POLE):c.3698_3701del (p.Arg1233fs)

Gene: POLE (DNA polymerase epsilon, catalytic subunit; minus strand). Cytogenetic location: 12q24.33.
Variant type: Deletion.
Coding change: c.3698_3701del on transcript NM_006231.4 (MANE Select); coding-DNA positions 3698 to 3701, 4 bases deleted (GAGT; older notation c.3698_3701delGAGT).
Protein change: p.Arg1233fs; shifts the reading frame from arginine 1233.
Molecular consequence: frameshift variant.
Genome position (GRCh38, 1-based): chr12:132,649,771-132,649,774, ACTC deleted on the plus strand (GAGT on the coding strand, the reverse complement: POLE is on the minus strand). VCF-style (leftmost placement, unchanged base first): chr12-132649770-AACTC-A. GRCh37 (hg19) VCF-style: chr12-133226356-AACTC-A.
Other names: short protein forms R1233fs.
Identifiers: ClinVar variation 1734008 (VCV001734008.3), dbSNP rs2541954379, ClinGen allele CA2580086204.

ClinVar aggregate classification (germline): Uncertain significance (1 of 4 stars; one submission).

Conditions:
Hereditary cancer-predisposing syndrome. Also called: Tumor predisposition; Hereditary Cancer Syndrome; Hereditary neoplastic syndrome; Neoplastic Syndromes, Hereditary. Identifiers: Orphanet 140162, MedGen C0027672, MeSH D009386, MONDO:0015356.

Submission:

Ambry Genetics
Classification: Uncertain significance for Hereditary cancer-predisposing syndrome. Last evaluated: 2026-01-16. Review status: criteria provided, single submitter. Criteria: Ambry Variant Classification Scheme 2023. Collection method: clinical testing. Allele origin: germline.
Comment: The c.3698_3701delGAGT variant, located in coding exon 30 of the POLE gene, results from a deletion of 4 nucleotides at nucleotide positions 3698 to 3701, causing a translational frameshift with a predicted alternate stop codon (p.R1233Lfs*127). This alteration is expected to result in loss of function by premature protein truncation or nonsense-mediated mRNA decay. Although biallelic loss of function of POLE has been associated with autosomal recessive POLE deficiency, haploinsufficiency of POLE has not been established as a mechanism of disease for POLE-related polymerase proofreading-associated polyposis (PPAP) and POLE-related CMMRD-like syndrome. Based on the supporting evidence, this variant is expected to be causative of POLE deficiency when present along with a second pathogenic variant on the other allele; however, its clinical significance for PPAP and POLE-related CMMRD-like syndrome is unclear.